The following is an entry in ClinVar:

NM_001113491.2(SEPTIN9):c.1405G>A (p.Gly469Ser)

Gene: SEPTIN9 (septin 9; plus strand). Cytogenetic location: 17q25.3.
Variant type: single nucleotide variant.
Coding change: c.1405G>A on transcript NM_001113491.2 (MANE Select); coding-DNA position 1405, G replaced by A.
Protein change: p.Gly469Ser; replaces glycine 469 with serine.
Molecular consequence: missense variant.
Genome position (GRCh38, 1-based): chr17:77,492,645, G>A. VCF-style: chr17-77492645-G-A. GRCh37 (hg19) VCF-style: chr17-75488727-G-A.
Other names: c.913G>A, p.Gly305Ser (NM_001113492.2, NM_001113494.1); c.1384G>A, p.Gly462Ser (NM_001113493.2); c.652G>A, p.Gly218Ser (NM_001113495.2, NM_001113496.2, NM_001293697.2 and 1 more transcripts); c.1348G>A, p.Gly450Ser (NM_001293695.2); c.733G>A, p.Gly245Ser (NM_001293696.2); c.1351G>A, p.Gly451Ser (NM_006640.5); c.1351G>A (NM_006640.4); short protein forms G218S, G245S, G305S, G450S, G451S, G462S, G469S.
Identifiers: ClinVar variation 1682665 (VCV001682665.6), dbSNP rs1039884847, ClinGen allele CA294296672.
Genomic context (GRCh38, chr17:77,492,645, plus strand): 5'-CAGGGATGGGCCCATCTCTCTCCCTCCTTATCCCAGATCACCGCAGACCTGCTGTCCAAC[G>A]GCATCGACGTGTACCCCCAGAAGGAATTTGATGAGGACTCGGAGGACCGGCTGGTGAACG-3'
Protein context (NP_001106963.1, residues 459-479): QRITADLLSN[Gly469Ser]IDVYPQKEFD

ClinVar aggregate classification (germline): Uncertain significance. Review status: criteria provided, multiple submitters, no conflicts (2 of 4 stars). 2 submissions from 2 submitters: Uncertain significance (2). Last evaluated 2025-04-14.

Conditions:
Inborn genetic diseases. Identifiers: MedGen C0950123, MeSH D030342.

Allele frequency attached by ClinVar (database versions not stated): gnomAD exomes below 0.00001; TOPMed 0.00002; gnomAD 0.00003 and 0.00004.
gnomAD v4.1: 11 of 1,613,988 alleles (0.00068%); highest among the groups gnomAD compares: Middle Eastern, 0.016%; no homozygotes.

Submissions (2):

Ambry Genetics
Classification: Uncertain significance for Inborn genetic diseases. Last evaluated: 2025-04-14. Review status: criteria provided, single submitter. Criteria: Ambry Variant Classification Scheme 2023. Collection method: clinical testing. Allele origin: germline.

Labcorp Genetics (formerly Invitae), Labcorp
Classification: Uncertain significance. Last evaluated: 2021-11-04. Review status: criteria provided, single submitter. Criteria: Invitae Variant Classification Sherloc (09022015). Collection method: clinical testing. Allele origin: germline.
Comment: In summary, the available evidence is currently insufficient to determine the role of this variant in disease. Therefore, it has been classified as a Variant of Uncertain Significance. Algorithms developed to predict the effect of sequence changes on RNA splicing suggest that this variant may create or strengthen a splice site. Algorithms developed to predict the effect of missense changes on protein structure and function are either unavailable or do not agree on the potential impact of this missense change (SIFT: "Deleterious"; PolyPhen-2: "Benign"; Align-GVGD: "Class C0"). This variant has not been reported in the literature in individuals affected with SEPT9-related conditions. This variant is present in population databases (no rsID available, gnomAD 0.01%). This sequence change replaces glycine, which is neutral and non-polar, with serine, which is neutral and polar, at codon 451 of the SEPT9 protein (p.Gly451Ser).